The following is an entry in ClinVar:

NM_001270508.2(TNFAIP3):c.174T>G (p.Pro58=)

Gene: TNFAIP3 (TNF alpha induced protein 3; plus strand). Cytogenetic location: 6q23.3.
Variant type: single nucleotide variant.
Coding change: c.174T>G on transcript NM_001270508.2 (MANE Select); coding-DNA position 174, T replaced by G.
Protein change: p.Pro58=; no amino-acid change (proline 58 retained).
Molecular consequence: synonymous variant.
Genome position (GRCh38, 1-based): chr6:137,871,401, T>G. VCF-style: chr6-137871401-T-G. GRCh37 (hg19) VCF-style: chr6-138192538-T-G.
Other names: c.174T>G, p.Pro58= (NM_001270507.2, NM_006290.4).
Identifiers: ClinVar variation 1100318 (VCV001100318.21), dbSNP rs772369780, ClinGen allele CA4019353.

ClinVar aggregate classification (germline): Likely benign. Review status: criteria provided, multiple submitters, no conflicts (2 of 4 stars). 4 submissions from 4 submitters: Likely benign (4). Last evaluated 2025-11-03.

Conditions:
Autoinflammatory syndrome, familial, Behcet-like 1 (AIFBL1). Also called: Haploinsufficiency of A20. Identifiers: Orphanet 674762, MedGen C4225218, MONDO:0800045, OMIM 616744.

Allele frequency attached by ClinVar (database versions not stated): gnomAD exomes 0.00001 and 0.00003; ExAC 0.00002; gnomAD 0.00002; TOPMed 0.00003.

Submissions (4):

Labcorp Genetics (formerly Invitae), Labcorp
Classification: Likely benign. Last evaluated: 2025-11-03. Review status: criteria provided, single submitter. Criteria: Invitae Variant Classification Sherloc (09022015). Collection method: clinical testing. Allele origin: germline.

CeGaT Center for Human Genetics Tuebingen
Classification: Likely benign. Last evaluated: 2025-05-01. Review status: criteria provided, single submitter. Criteria: CeGaT Center For Human Genetics Tuebingen Variant Classification Criteria Version 2. Collection method: clinical testing. Allele origin: germline. Affected: yes. Observed: 1 variant allele.
Comment: TNFAIP3: BP4, BP7

ARUP Laboratories, Molecular Genetics and Genomics, ARUP Laboratories
Classification: Likely benign for Autoinflammatory syndrome, familial, Behcet-like 1. Last evaluated: 2025-01-08. Review status: criteria provided, single submitter. Criteria: ARUP Molecular Germline Variant Investigation Process 2024. Collection method: clinical testing. Allele origin: germline.

Blueprint Genetics
Classification: Likely benign. Last evaluated: 2024-10-28. Review status: criteria provided, single submitter. Criteria: ACMG Guidelines, 2015. Collection method: clinical testing. Allele origin: germline.